The following is an entry in ClinVar:

NM_021153.4(CDH19):c.1214+8T>C

Gene: CDH19 (cadherin 19; minus strand). Cytogenetic location: 18q22.1.
Variant type: single nucleotide variant.
Coding change: c.1214+8T>C on transcript NM_021153.4 (MANE Select); 8 bases into the intron after coding-DNA position 1214, T replaced by C.
Molecular consequence: intron variant.
Genome position (GRCh38, 1-based): chr18:66,543,963, A>G on the plus strand (T>C on the coding strand, the complement: CDH19 is on the minus strand). VCF-style: chr18-66543963-A-G. GRCh37 (hg19) VCF-style: chr18-64211200-A-G.
Other names: c.1214+8T>C (NM_001271028.2).
Identifiers: ClinVar variation 3043319 (VCV003043319.2), dbSNP rs372526203, ClinGen allele CA8991952.
Genomic context (GRCh38, chr18:66,543,963, plus strand): 5'-GCAATTTTATTTTTAATCTATTTTATATTTACTTATTTATTAATGCAAAACTGACCTTAC[A>G]GACATACCTGATAGGAGATTTCCTATTGTCTGGGTCTGTGGCAGACACCACGCCTACAAA-3'

ClinVar aggregate classification (germline): Likely benign (0 of 4 stars; one submission).

Conditions:
CDH19-related disorder. Also called: CDH19-related condition.

Allele frequency attached by ClinVar (database versions not stated): ESP Exome Variant Server 0.00015; TOPMed 0.00022; gnomAD 0.00025; gnomAD exomes 0.00043; ExAC 0.00047.
gnomAD v4.1: 646 of 1,595,614 alleles (0.04%); highest among the groups gnomAD compares: Non-Finnish European, 0.053%; 5 homozygotes.

Submission:

PreventionGenetics, part of Exact Sciences
Classification: Likely benign for CDH19-related condition. Last evaluated: 2019-06-24. Review status: no assertion criteria provided. Collection method: clinical testing. Allele origin: germline.
Comment: This variant is classified as likely benign based on ACMG/AMP sequence variant interpretation guidelines (Richards et al. 2015 PMID: 25741868, with internal and published modifications).